The following is an entry in ClinVar:

ClinVar aggregate classification (germline): Pathogenic (1 of 4 stars; one submission).

Conditions:
Autism spectrum disorder. Also called: Autism spectrum disorders. Identifiers: MedGen C1510586, MeSH D000067877, MONDO:0005258.

Submission:

Genetics Laboratory, UDIAT-Centre Diagnòstic, Hospital Universitari Parc Tauli
Classification: Pathogenic for autism spectrum disorder. Last evaluated: 2024-05-27. Review status: criteria provided, single submitter. Criteria: ACMG Guidelines, 2015. Collection method: clinical testing. Allele origin: unknown. Inheritance: Autosomal dominant inheritance. Affected: yes.
Comment: PVS1_very strong;PM2_supporting;PM6_moderate

NM_000901.5(NR3C2):c.2860del (p.Lys953_Val954insTer)

Gene: NR3C2 (nuclear receptor subfamily 3 group C member 2; minus strand). Cytogenetic location: 4q31.23.
Variant type: Deletion.
Coding change: c.2860del on transcript NM_000901.5 (MANE Select); coding-DNA position 2860, one base deleted (G; older notation c.2860delG).
Protein change: p.Lys953_Val954insTer.
Molecular consequence: nonsense. On other transcripts: non-coding transcript variant (1).
Genome position (GRCh38, 1-based): chr4:148,081,439, C deleted on the plus strand (G on the coding strand, the reverse complement: NR3C2 is on the minus strand); the first of 2 consecutive C bases (chr4:148,081,439-148,081,440); deleting either gives the same sequence. VCF-style (leftmost placement, unchanged base first): chr4-148081438-AC-A. GRCh37 (hg19) VCF-style: chr4-149002589-AC-A.
Other names: c.2509del, p.Lys836_Val837insTer (NM_001166104.2, NM_001354819.1).
Identifiers: ClinVar variation 3897570 (VCV003897570.1).